The following is an entry in ClinVar:

NM_181882.3(PRX):c.2101G>A (p.Val701Met)

Gene: PRX (periaxin; minus strand). Cytogenetic location: 19q13.2.
Variant type: single nucleotide variant.
Coding change: c.2101G>A on transcript NM_181882.3 (MANE Select); coding-DNA position 2101, G replaced by A.
Protein change: p.Val701Met; replaces valine 701 with methionine.
Molecular consequence: missense variant. On other transcripts: 3 prime UTR variant (1).
Genome position (GRCh38, 1-based): chr19:40,396,251, C>T on the plus strand (G>A on the coding strand, the complement: PRX is on the minus strand). VCF-style: chr19-40396251-C-T. GRCh37 (hg19) VCF-style: chr19-40902158-C-T.
Other names: c.*2306G>A (NM_020956.2); short protein forms V701M.
Identifiers: ClinVar variation 242180 (VCV000242180.21), dbSNP rs116855701, ClinGen allele CA9444123.

ClinVar aggregate classification (germline): Benign/Likely benign. Review status: criteria provided, multiple submitters, no conflicts (2 of 4 stars). 6 submissions from 6 submitters: Benign (3); Likely benign (3). Last evaluated 2026-01-27.

Conditions:
PRX-related disorder. Also called: PRX-Related Disorders; PRX-related condition.
Charcot-Marie-Tooth disease. Also called: Charcot-Marie-Tooth Hereditary Neuropathy; Charcot-Marie-Tooth Neuropathy. Identifiers: Orphanet 166, MedGen C0007959, MONDO:0015626.
Charcot-Marie-Tooth disease type 4. Also called: Charcot-Marie-Tooth disease, type IV; Charcot-Marie-Tooth, Type 4. Identifiers: Orphanet 64749, MedGen C4082197, MONDO:0018995.
Charcot-Marie-Tooth disease type 4F. Also called: Charcot-Marie-Tooth disease, demyelinating, type 4F. Identifiers: Orphanet 99952, MedGen C3540453, MONDO:0013959, OMIM 614895.

Allele frequency attached by ClinVar (database versions not stated): gnomAD exomes 0.00040 and 0.00102; gnomAD 0.00041 and 0.00060; TOPMed 0.00052; ExAC 0.00091; 1000 Genomes Project 30x 0.00312; 1000 Genomes Project 0.00379.
gnomAD v4.1: 703 of 1,613,740 alleles (0.044%); highest among the groups gnomAD compares: East Asian, 1.3%; 4 homozygotes.

Submissions (6):

Labcorp Genetics (formerly Invitae), Labcorp
Classification: Benign for Charcot-Marie-Tooth disease type 4. Last evaluated: 2026-01-27. Review status: criteria provided, single submitter. Criteria: Invitae Variant Classification Sherloc (09022015). Collection method: clinical testing. Allele origin: germline.

PreventionGenetics, part of Exact Sciences
Classification: Benign for PRX-related condition. Last evaluated: 2025-08-18. Review status: criteria provided, single submitter. Criteria: ACMG Guidelines, 2015. Collection method: clinical testing. Allele origin: germline.
Comment: This variant is classified as benign based on ACMG/AMP sequence variant interpretation guidelines (Richards et al. 2015 PMID: 25741868, with internal and published modifications).

Blueprint Genetics
Classification: Likely benign. Last evaluated: 2024-10-28. Review status: criteria provided, single submitter. Criteria: ACMG Guidelines, 2015. Collection method: clinical testing. Allele origin: germline.

GeneDx
Classification: Likely benign. Last evaluated: 2020-10-08. Review status: criteria provided, single submitter. Criteria: GeneDx Variant Classification Process June 2021. Collection method: clinical testing. Allele origin: germline. Affected: yes.

Illumina Laboratory Services, Illumina
Classification: Benign for Charcot-Marie-Tooth disease type 4F. Last evaluated: 2018-01-12. Review status: criteria provided, single submitter. Criteria: ICSL Variant Classification Criteria 13 December 2019. Collection method: clinical testing. Allele origin: germline.
Comment: This variant was observed in the ICSL laboratory as part of a predisposition screen in an ostensibly healthy population. It had not been previously curated by ICSL or reported in the Human Gene Mutation Database (HGMD: prior to June 1st, 2018), and was therefore a candidate for classification through an automated scoring system. Utilizing variant allele frequency, disease prevalence and penetrance estimates, and inheritance mode, an automated score was calculated to assess if this variant is too frequent to cause the disease. Based on the score and internal cut-off values, a variant classified as benign is not then subjected to further curation. The score for this variant resulted in a classification of benign for this disease.

Molecular Genetics Laboratory, London Health Sciences Centre
Classification: Likely benign for Charcot-Marie-Tooth disease. Review status: criteria provided, single submitter. Criteria: ACMG Guidelines, 2015. Collection method: clinical testing. Allele origin: germline. Affected: yes.